The following is an entry in ClinVar:

ClinVar aggregate classification (germline): Likely pathogenic. Review status: reviewed by expert panel (3 of 4 stars). 9 submissions from 9 submitters: Likely pathogenic (1). 8 of the submissions do not count toward it. Last evaluated 2024-02-27.

Conditions:
ACADVL-related disorder. Also called: ACADVL-related condition.
Very long chain acyl-CoA dehydrogenase deficiency (ACADVLD). Also called: Very Long-Chain Acyl-Coenzyme A Dehydrogenase Deficiency; VLCAD Deficiency. Identifiers: Orphanet 26793, MedGen C3887523, MONDO:0008723, OMIM 201475.

gnomAD v4.1: 6 of 1,613,792 alleles (0.00037%); highest among the groups gnomAD compares: East Asian, 0.011%; no homozygotes.

Submissions (9):

ClinGen ACADVL Variant Curation Expert Panel, ClinGen
Classification: Likely pathogenic for Very long chain acyl-CoA dehydrogenase deficiency. Last evaluated: 2024-02-27. Review status: reviewed by expert panel. Criteria: clingen acadvl acmg specifications v1. Collection method: curation. Allele origin: germline. Inheritance: Autosomal recessive inheritance.
Comment: The NM_000018.4(ACADVL): c.619T>C (p.Ser207Pro) variant is a missense variant predicted to cause substitution of serine by proline at amino acid 207. At least two individuals with this variant displayed a newborn screen consistent with very long chain acyl-CoA dehydrogenase (VLCAD) deficiency as well as follow-up acylcarnitine testing showing increased C14:1 acylcarnitines, which is highly specific for VLCAD deficiency (PP4_Moderate, PMID: 26927351). This variant is absent from gnomAD v2.1.1 (PM2_Supporting). The computational predictor REVEL gives a score of 0.79, which is above the threshold of 0.75, evidence that correlates with impact to ACADVL function (PP3). In summary, this variant meets the criteria to be classified as likely pathogenic for autosomal recessive VLCAD deficiency based on the ACMG/AMP criteria applied, as specified by the ClinGen ACADVL Variant Curation Expert Panel: PM2_Supporting, PM3_Strong, PP3, PP4_Moderate (ACADVL VCEP specifications version 1; approved November 9, 2021).

Myriad Genetics, Inc.
Classification: Likely pathogenic for Very long chain acyl-CoA dehydrogenase deficiency. Last evaluated: 2025-10-08. Review status: criteria provided, single submitter. Criteria: Myriad Autosomal Dominant, Autosomal Recessive and X-Linked Classification Criteria (2023). Collection method: clinical testing. Allele origin: unknown. Not counted in ClinVar's aggregate classification.
Comment: NM_000018.3(ACADVL):c.619T>C(S207P) is a missense variant classified as likely pathogenic in the context of very-long-chain acyl-CoA dehydrogenase deficiency. S207P has been observed in cases with relevant disease (PMID: 26927351, 40848111, Cho_2022_(Thesis)). Relevant functional assessments of this variant are not available in the literature. S207P has been observed in referenced population frequency databases. In summary, NM_000018.3(ACADVL):c.619T>C(S207P) is a missense variant that has been observed more frequently in cases with the relevant disease than in healthy populations. Please note: this variant was assessed in the context of healthy population screening.

Natera, Inc.
Classification: Likely pathogenic for Very long chain acyl-CoA dehydrogenase deficiency. Last evaluated: 2024-11-13. Review status: criteria provided, single submitter. Criteria: Natera Variant Classification Schema (03/2026). Collection method: clinical testing. Allele origin: germline. Not counted in ClinVar's aggregate classification.
Comment: The c.619T>C variant in ACADVL is a missense variant predicted to cause substitution of serine to proline at amino acid 207. This variant is rare in the general population with a frequency below the threshold expected for the associated phenotype(s). This variant has been observed in one or more individuals affected with the associated recessive disease, as either homozygous or compound heterozygous with a second variant (PMID: 26927351). Computational prediction algorithms indicate this variant is likely to affect gene or protein function. Given the available evidence, this variant is classified as Likely Pathogenic.

Baylor Genetics
Classification: Likely pathogenic for Very long chain acyl-CoA dehydrogenase deficiency. Last evaluated: 2024-03-08. Review status: criteria provided, single submitter. Criteria: ACMG Guidelines, 2015. Collection method: clinical testing. Allele origin: unknown. Not counted in ClinVar's aggregate classification.

Labcorp Genetics (formerly Invitae), Labcorp
Classification: Pathogenic for Very long chain acyl-CoA dehydrogenase deficiency. Last evaluated: 2023-11-24. Review status: criteria provided, single submitter. Criteria: Invitae Variant Classification Sherloc (09022015). Collection method: clinical testing. Allele origin: germline. Not counted in ClinVar's aggregate classification.
Comment: This sequence change replaces serine, which is neutral and polar, with proline, which is neutral and non-polar, at codon 207 of the ACADVL protein (p.Ser207Pro). This variant is present in population databases (rs768975918, gnomAD 0.03%). This missense change has been observed in individual(s) with very long chain acyl-CoA dehydrogenase deficiency (PMID: 26385305, 26927351; Invitae). In at least one individual the data is consistent with being in trans (on the opposite chromosome) from a pathogenic variant. ClinVar contains an entry for this variant (Variation ID: 551588). Advanced modeling of protein sequence and biophysical properties (such as structural, functional, and spatial information, amino acid conservation, physicochemical variation, residue mobility, and thermodynamic stability) performed at Invitae indicates that this missense variant is expected to disrupt ACADVL protein function with a positive predictive value of 95%. For these reasons, this variant has been classified as Pathogenic.

ARUP Laboratories, Molecular Genetics and Genomics, ARUP Laboratories
Classification: Uncertain significance for Very long chain acyl-CoA dehydrogenase deficiency. Last evaluated: 2021-06-09. Review status: criteria provided, single submitter. Criteria: ARUP Molecular Germline Variant Investigation Process 2021. Collection method: clinical testing. Allele origin: germline. Not counted in ClinVar's aggregate classification.
Comment: The ACADVL c.619T>C; p.Ser207Pro variant (rs768975918) is reported in the literature in two individuals affected with VLCAD deficiency (Ko 2016). This variant is also reported in ClinVar (Variation ID: 551588). This variant is found in the East Asian population with an allele frequency of 0.03% (6/18390 alleles) in the Genome Aggregation Database. The serine at codon 207 is moderately conserved, and computational analyses predict that this variant is deleterious (REVEL: 0.792). However, given the lack of clinical and functional data, the significance of the p.Ser207Pro variant is uncertain at this time. References: Ko JM et al. Rare Korean Cases of Very-long-chain Acyl-CoA Dehydrogenase Deficiency with a Novel Recurrent Mutation. Ann Clin Lab Sci. 2016 Winter;46(1):97-101. PMID: 26927351.

Wong Mito Lab, Molecular and Human Genetics, Baylor College of Medicine
Classification: Uncertain significance for Very long chain acyl-CoA dehydrogenase deficiency. Last evaluated: 2019-11-01. Review status: criteria provided, single submitter. Criteria: ACMG Guidelines, 2015. Collection method: clinical testing. Allele origin: germline. Not counted in ClinVar's aggregate classification.
Comment: The NM_000018.3:c.619T>C (NP_000009.1:p.Ser207Pro) [GRCH38: NC_000017.11:g.7221679T>C] variant in ACADVL gene is interpretated to be Uncertain Significance based on ACMG guidelines (PMID: 25741868). This variant has been reported. This variant meets the following evidence codes reported in the ACMG guidelines: PM1, PP3

Blueprint Genetics
Classification: Likely pathogenic for ACADVL-related disorders. Last evaluated: 2019-06-08. Review status: criteria provided, single submitter. Criteria: ACMG Guidelines, 2015. Collection method: clinical testing. Allele origin: germline. Affected: yes. Observed: 1 variant allele. Not counted in ClinVar's aggregate classification.

Counsyl
Classification: Uncertain significance for Very long chain acyl-CoA dehydrogenase deficiency. Last evaluated: 2017-04-19. Review status: no assertion criteria provided. Collection method: clinical testing. Allele origin: unknown. Not counted in ClinVar's aggregate classification.

Literature cited by the submitters: PubMed 26927351 (cited by 3 submitters); PubMed 26385305 (cited by Labcorp Genetics (formerly Invitae), Labcorp and Counsyl).

NM_000018.4(ACADVL):c.619T>C (p.Ser207Pro)

Gene: ACADVL (acyl-CoA dehydrogenase very long chain; plus strand). Cytogenetic location: 17p13.1.
Variant type: single nucleotide variant.
Coding change: c.619T>C on transcript NM_000018.4 (MANE Select); coding-DNA position 619, T replaced by C.
Protein change: p.Ser207Pro; replaces serine 207 with proline.
Molecular consequence: missense variant.
Genome position (GRCh38, 1-based): chr17:7,221,679, T>C. VCF-style: chr17-7221679-T-C. GRCh37 (hg19) VCF-style: chr17-7124998-T-C.
Other names: NM_000018.4(ACADVL):c.619T>C; p.Ser207Pro; c.553T>C, p.Ser185Pro (NM_001033859.3); c.688T>C, p.Ser230Pro (NM_001270447.2); c.391T>C, p.Ser131Pro (NM_001270448.2); short protein forms S207P, S185P, S230P, S131P.
Identifiers: ClinVar variation 551588 (VCV000551588.22), dbSNP rs768975918, ClinGen allele CA8337769.
Genomic context (GRCh38, chr17:7,221,679, plus strand): 5'-AAAGGCATCCTGCTCTTTGGCACAAAGGCCCAGAAAGAAAAATACCTCCCCAAGCTGGCA[T>C]CTGGTGAGGCAACCCTAGGAGAGCCAGGGATTGGGGGGCACACTGGGCTTGGCACAGATT-3'
Protein context (NP_000009.1, residues 197-217): QKEKYLPKLA[Ser207Pro]GETVAAFCLT